The following is an entry in ClinVar:

NM_000179.3(MSH6):c.1893C>T (p.Ser631=)

Gene: MSH6 (mutS homolog 6; plus strand). Cytogenetic location: 2p16.3.
Variant type: single nucleotide variant.
Coding change: c.1893C>T on transcript NM_000179.3 (MANE Select); coding-DNA position 1893, C replaced by T.
Protein change: p.Ser631=; no amino-acid change (serine 631 retained).
Molecular consequence: synonymous variant. On other transcripts: non-coding transcript variant (5), intron variant (2).
Genome position (GRCh38, 1-based): chr2:47,799,876, C>T. VCF-style: chr2-47799876-C-T. GRCh37 (hg19) VCF-style: chr2-48027015-C-T.
Other names: c.1596C>T, p.Ser532= (NM_001406820.1, NM_001406821.1, NM_001406822.1 and 10 more transcripts); c.987C>T, p.Ser329= (NM_001406823.1, NM_001406829.1, NM_001281493.2 and 6 more transcripts); c.1725C>T, p.Ser575= (NM_001406826.1); c.1606+287C>T (NM_001406817.1); c.628-790C>T (NM_001407362.1); c.1503C>T, p.Ser501= (NM_001281492.2); c.1989C>T, p.Ser663= (NM_001406795.1, NM_001406802.1); c.1893C>T, p.Ser631= (NM_001406796.1, NM_001406798.1, NM_001406800.1 and 3 more transcripts); and 3 more.
Identifiers: ClinVar variation 3677555 (VCV003677555.3).

ClinVar aggregate classification (germline): Benign/Likely benign. Review status: criteria provided, multiple submitters, no conflicts (2 of 4 stars). 2 submissions from 2 submitters: Benign (1); Likely benign (1). Last evaluated 2024-12-30.

Conditions:
Hereditary nonpolyposis colorectal neoplasms. Identifiers: MedGen C0009405, MeSH D003123.
Lynch syndrome 5 (LYNCH5). Also called: Hereditary non-polyposis colorectal cancer, type 5; Colorectal cancer, hereditary nonpolyposis, type 5. Identifiers: Orphanet 144, MedGen C1833477, MONDO:0013710, OMIM 614350. Disease mechanism: loss of function.

gnomAD v4.1: 1 of 1,613,996 alleles (0.000062%); highest among the groups gnomAD compares: African/African-American, 0.0013%; no homozygotes.

Submissions (2):

Myriad Genetics, Inc.
Classification: Benign for Lynch syndrome 5. Last evaluated: 2024-12-30. Review status: criteria provided, single submitter. Criteria: Myriad Autosomal Dominant, Autosomal Recessive and X-Linked Classification Criteria (2023). Collection method: clinical testing. Allele origin: unknown.
Comment: This variant is considered benign. This variant is a silent/synonymous amino acid change and it is not expected to impact splicing.

Labcorp Genetics (formerly Invitae), Labcorp
Classification: Likely benign for Hereditary nonpolyposis colorectal neoplasms. Last evaluated: 2024-05-08. Review status: criteria provided, single submitter. Criteria: Invitae Variant Classification Sherloc (09022015). Collection method: clinical testing. Allele origin: germline.